The following is an entry in ClinVar:

ClinVar aggregate classification (germline): Uncertain significance (1 of 4 stars; one submission).

gnomAD v4.1: 18 of 1,613,890 alleles (0.0011%); highest among the groups gnomAD compares: Non-Finnish European, 0.0014%; no homozygotes.

Submission:

Labcorp Genetics (formerly Invitae), Labcorp
Classification: Uncertain significance. Last evaluated: 2025-08-04. Review status: criteria provided, single submitter. Criteria: Invitae Variant Classification Sherloc (09022015). Collection method: clinical testing. Allele origin: germline.
Comment: This sequence change replaces valine, which is neutral and non-polar, with methionine, which is neutral and non-polar, at codon 483 of the SRCAP protein (p.Val483Met). This variant is present in population databases (rs777602097, gnomAD 0.003%). This variant has not been reported in the literature in individuals affected with SRCAP-related conditions. ClinVar contains an entry for this variant (Variation ID: 3617121). Invitae Evidence Modeling of protein sequence and biophysical properties (such as structural, functional, and spatial information, amino acid conservation, physicochemical variation, residue mobility, and thermodynamic stability) indicates that this missense variant is not expected to disrupt SRCAP protein function with a negative predictive value of 80%. In summary, the available evidence is currently insufficient to determine the role of this variant in disease. Therefore, it has been classified as a Variant of Uncertain Significance.

NM_006662.3(SRCAP):c.1447G>A (p.Val483Met)

Gene: SRCAP (Snf2 related CREBBP activator protein; plus strand). Cytogenetic location: 16p11.2.
Variant type: single nucleotide variant.
Coding change: c.1447G>A on transcript NM_006662.3 (MANE Select); coding-DNA position 1447, G replaced by A.
Protein change: p.Val483Met; replaces valine 483 with methionine.
Molecular consequence: missense variant.
Genome position (GRCh38, 1-based): chr16:30,711,699, G>A. VCF-style: chr16-30711699-G-A. GRCh37 (hg19) VCF-style: chr16-30723020-G-A.
Other names: short protein forms V483M.
Identifiers: ClinVar variation 3617121 (VCV003617121.2).